The following is an entry in ClinVar:

ClinVar aggregate classification (germline): Conflicting classifications of pathogenicity. Review status: criteria provided, conflicting classifications (1 of 4 stars). 2 submissions from 2 submitters: Uncertain significance (1); Likely benign (1). Last evaluated 2023-09-27.

Conditions:
Bloom syndrome (BLM). Also called: Bloom-Torre-Machacek syndrome. Identifiers: Orphanet 125, MedGen C0005859, MONDO:0008876, OMIM 210900.
Hereditary cancer-predisposing syndrome. Also called: Hereditary neoplastic syndrome; Tumor predisposition; Neoplastic Syndromes, Hereditary; Hereditary Cancer Syndrome. Identifiers: Orphanet 140162, MedGen C0027672, MeSH D009386, MONDO:0015356.

gnomAD v4.1: 1 of 1,612,478 alleles (0.000062%); highest among the groups gnomAD compares: Non-Finnish European, 0.000085%; no homozygotes.

Submissions (2):

Ambry Genetics
Classification: Likely benign for Hereditary cancer-predisposing syndrome. Last evaluated: 2023-09-27. Review status: criteria provided, single submitter. Criteria: Ambry Variant Classification Scheme 2023. Collection method: clinical testing. Allele origin: germline.

Labcorp Genetics (formerly Invitae), Labcorp
Classification: Uncertain significance for Bloom syndrome. Last evaluated: 2022-04-17. Review status: criteria provided, single submitter. Criteria: Invitae Variant Classification Sherloc (09022015). Collection method: clinical testing. Allele origin: germline.
Comment: This variant is not present in population databases (gnomAD no frequency). In summary, the available evidence is currently insufficient to determine the role of this variant in disease. Therefore, it has been classified as a Variant of Uncertain Significance. Algorithms developed to predict the effect of missense changes on protein structure and function output the following: SIFT: "Tolerated"; PolyPhen-2: "Benign"; Align-GVGD: "Class C0". The valine amino acid residue is found in multiple mammalian species, which suggests that this missense change does not adversely affect protein function. ClinVar contains an entry for this variant (Variation ID: 954569). This variant has not been reported in the literature in individuals affected with BLM-related conditions. This sequence change replaces isoleucine, which is neutral and non-polar, with valine, which is neutral and non-polar, at codon 289 of the BLM protein (p.Ile289Val).

NM_000057.4(BLM):c.865A>G (p.Ile289Val)

Gene: BLM (BLM RecQ like helicase; plus strand). Cytogenetic location: 15q26.1.
Variant type: single nucleotide variant.
Coding change: c.865A>G on transcript NM_000057.4 (MANE Select); coding-DNA position 865, A replaced by G.
Protein change: p.Ile289Val; replaces isoleucine 289 with valine.
Molecular consequence: missense variant. On other transcripts: 5 prime UTR variant (1).
Genome position (GRCh38, 1-based): chr15:90,751,852, A>G. VCF-style: chr15-90751852-A-G. GRCh37 (hg19) VCF-style: chr15-91295082-A-G.
Other names: c.865A>G (NM_000057.2); c.865A>G, p.Ile289Val (NM_001287246.2, NM_001287247.2); c.-427A>G (NM_001287248.2); short protein forms I289V.
Identifiers: ClinVar variation 954569 (VCV000954569.11), dbSNP rs1895693953, ClinGen allele CA393841759.